The following is an entry in ClinVar:

NM_004187.5(KDM5C):c.2143T>C (p.Phe715Leu)

Gene: KDM5C (lysine demethylase 5C; minus strand). Cytogenetic location: Xp11.22.
Variant type: single nucleotide variant.
Coding change: c.2143T>C on transcript NM_004187.5 (MANE Select); coding-DNA position 2143, T replaced by C.
Protein change: p.Phe715Leu; replaces phenylalanine 715 with leucine.
Molecular consequence: missense variant. On other transcripts: non-coding transcript variant (3).
Genome position (GRCh38, 1-based): chrX:53,199,077, A>G on the plus strand (T>C on the coding strand, the complement: KDM5C is on the minus strand). VCF-style: chrX-53199077-A-G. GRCh37 (hg19) VCF-style: chrX-53228259-A-G.
Other names: c.1942T>C, p.Phe648Leu (NM_001146702.2); c.2140T>C, p.Phe714Leu (NM_001282622.3, NM_001353979.2, NM_001353982.2); c.2143T>C, p.Phe715Leu (NM_001353978.3, NM_001353981.2, NM_001353984.2); short protein forms F648L, F714L, F715L.
Identifiers: ClinVar variation 3381545 (VCV003381545.1).
Genomic context (GRCh38, chrX:53,199,077, plus strand): 5'-TGATGTGGGAAAGGCAGACAAGGCCGTCTGGGCAGTCGTAGCAGGCCAGGGCTGACAGGA[A>G]ACACGTAGTCTTGCACTTGATACACTGGCGCTCATCATCTGGGAGCAGCTCGAAAGCCTC-3'
Protein context (NP_004178.2, residues 705-725): RQCIKCKTTC[Phe715Leu]LSALACYDCP

ClinVar aggregate classification (germline): Uncertain significance (1 of 4 stars; one submission).

Submission:

GeneDx
Classification: Uncertain significance. Last evaluated: 2024-05-23. Review status: criteria provided, single submitter. Criteria: GeneDx Variant Classification Process June 2021. Collection method: clinical testing. Allele origin: germline. Affected: yes.
Comment: Not observed at significant frequency in large population cohorts (gnomAD); In silico analysis supports that this missense variant has a deleterious effect on protein structure/function; Has not been previously published as pathogenic or benign to our knowledge